The following is an entry in ClinVar:

ClinVar aggregate classification (germline): Uncertain significance (1 of 4 stars; one submission).

Conditions:
Hereditary sensory and autonomic neuropathy with spastic paraplegia (HSNSP). Identifiers: Orphanet 139578, MedGen C1850395, MONDO:0009748, OMIM 256840.

Allele frequency attached by ClinVar (database versions not stated): gnomAD exomes below 0.00001; TOPMed below 0.00001; gnomAD 0.00001.
gnomAD v4.1: 6 of 1,614,066 alleles (0.00037%); highest among the groups gnomAD compares: African/African-American, 0.0013%; no homozygotes.

Submission:

Labcorp Genetics (formerly Invitae), Labcorp
Classification: Uncertain significance for Hereditary sensory and autonomic neuropathy with spastic paraplegia. Last evaluated: 2023-03-01. Review status: criteria provided, single submitter. Criteria: Invitae Variant Classification Sherloc (09022015). Collection method: clinical testing. Allele origin: germline.
Comment: Advanced modeling of protein sequence and biophysical properties (such as structural, functional, and spatial information, amino acid conservation, physicochemical variation, residue mobility, and thermodynamic stability) performed at Invitae indicates that this missense variant is not expected to disrupt CCT5 protein function. In summary, the available evidence is currently insufficient to determine the role of this variant in disease. Therefore, it has been classified as a Variant of Uncertain Significance. This sequence change replaces histidine, which is basic and polar, with tyrosine, which is neutral and polar, at codon 182 of the CCT5 protein (p.His182Tyr). This variant is not present in population databases (gnomAD no frequency). This variant has not been reported in the literature in individuals affected with CCT5-related conditions.

NM_012073.5(CCT5):c.544C>T (p.His182Tyr)

Gene: CCT5 (chaperonin containing TCP1 subunit 5; plus strand). Cytogenetic location: 5p15.2.
Variant type: single nucleotide variant.
Coding change: c.544C>T on transcript NM_012073.5 (MANE Select); coding-DNA position 544, C replaced by T.
Protein change: p.His182Tyr; replaces histidine 182 with tyrosine.
Molecular consequence: missense variant.
Genome position (GRCh38, 1-based): chr5:10,258,124, C>T. VCF-style: chr5-10258124-C-T. GRCh37 (hg19) VCF-style: chr5-10258236-C-T.
Other names: c.481C>T, p.His161Tyr (NM_001306153.1); c.379C>T, p.His127Tyr (NM_001306154.2); c.265C>T, p.His89Tyr (NM_001306155.2); c.430C>T, p.His144Tyr (NM_001306156.2); short protein forms H127Y, H89Y, H144Y, H161Y, H182Y.
Identifiers: ClinVar variation 2732058 (VCV002732058.3), dbSNP rs1387026985, ClinGen allele CA359182211.